The following is an entry in ClinVar:

NM_015559.3(SETBP1):c.433G>A (p.Gly145Arg)

Gene: SETBP1 (SET binding protein 1; plus strand). Cytogenetic location: 18q12.3.
Variant type: single nucleotide variant.
Coding change: c.433G>A on transcript NM_015559.3 (MANE Select); coding-DNA position 433, G replaced by A.
Protein change: p.Gly145Arg; replaces glycine 145 with arginine.
Molecular consequence: missense variant.
Genome position (GRCh38, 1-based): chr18:44,701,779, G>A. VCF-style: chr18-44701779-G-A. GRCh37 (hg19) VCF-style: chr18-42281744-G-A.
Other names: c.433G>A, p.Gly145Arg (NM_001130110.2, NM_001379141.1, NM_001379142.1); c.433G>A (NM_015559.2); short protein forms G145R.
Identifiers: ClinVar variation 1437295 (VCV001437295.9), dbSNP rs761413772, ClinGen allele CA8945374.

ClinVar aggregate classification (germline): Likely benign. Review status: criteria provided, multiple submitters, no conflicts (2 of 4 stars). 3 submissions from 3 submitters: Likely benign (3). Last evaluated 2026-05-01.

Conditions:
Inborn genetic diseases. Identifiers: MedGen C0950123, MeSH D030342.

Allele frequency attached by ClinVar (database versions not stated): gnomAD exomes 0.00002 and 0.00005; ExAC 0.00003; TOPMed 0.00005; gnomAD 0.00007.
gnomAD v4.1: 79 of 1,613,384 alleles (0.0049%); highest among the groups gnomAD compares: Non-Finnish European, 0.0064%; no homozygotes.

Submissions (3):

CeGaT Center for Human Genetics Tuebingen
Classification: Likely benign. Last evaluated: 2026-05-01. Review status: criteria provided, single submitter. Criteria: CeGaT Center For Human Genetics Tuebingen Variant Classification Criteria Version 2. Collection method: clinical testing. Allele origin: germline. Affected: yes. Observed: 1 variant allele.
Comment: SETBP1: BS2

Labcorp Genetics (formerly Invitae), Labcorp
Classification: Likely benign. Last evaluated: 2025-09-24. Review status: criteria provided, single submitter. Criteria: Invitae Variant Classification Sherloc (09022015). Collection method: clinical testing. Allele origin: germline.

Ambry Genetics
Classification: Likely benign for Inborn genetic diseases. Last evaluated: 2023-08-02. Review status: criteria provided, single submitter. Criteria: Ambry Variant Classification Scheme 2023. Collection method: clinical testing. Allele origin: germline.